The following is an entry in ClinVar:

ClinVar aggregate classification (germline): Likely benign (0 of 4 stars; one submission).

Conditions:
NRP2-related disorder. Also called: NRP2-related condition.

Allele frequency attached by ClinVar (database versions not stated): gnomAD exomes 0.00007; ExAC 0.00020; 1000 Genomes Project 30x 0.00031; 1000 Genomes Project 0.00040; gnomAD 0.00082; ESP Exome Variant Server 0.00085; TOPMed 0.00089.

Submission:

PreventionGenetics, part of Exact Sciences
Classification: Likely benign for NRP2-related condition. Last evaluated: 2021-07-12. Review status: no assertion criteria provided. Collection method: clinical testing. Allele origin: germline.
Comment: This variant is classified as likely benign based on ACMG/AMP sequence variant interpretation guidelines (Richards et al. 2015 PMID: 25741868, with internal and published modifications).

NM_003872.3(NRP2):c.1780T>C (p.Trp594Arg)

Gene: NRP2 (neuropilin 2; plus strand). Cytogenetic location: 2q33.3.
Variant type: single nucleotide variant.
Coding change: c.1780T>C on transcript NM_003872.3 (MANE Select); coding-DNA position 1780, T replaced by C.
Protein change: p.Trp594Arg; replaces tryptophan 594 with arginine.
Molecular consequence: missense variant.
Genome position (GRCh38, 1-based): chr2:205,745,884, T>C. VCF-style: chr2-205745884-T-C. GRCh37 (hg19) VCF-style: chr2-206610608-T-C.
Other names: c.1780T>C, p.Trp594Arg (NM_018534.4, NM_201266.2, NM_201267.2 and 1 more transcripts); short protein forms W594R.
Identifiers: ClinVar variation 3050708 (VCV003050708.2), dbSNP rs145001167, ClinGen allele CA2069193.